The following is an entry in ClinVar:

NM_000219.6(KCNE1):c.136T>C (p.Tyr46His)

Gene: KCNE1 (potassium voltage-gated channel subfamily E regulatory subunit 1; minus strand). Cytogenetic location: 21q22.12.
Variant type: single nucleotide variant.
Coding change: c.136T>C on transcript NM_000219.6 (MANE Select); coding-DNA position 136, T replaced by C.
Protein change: p.Tyr46His; replaces tyrosine 46 with histidine.
Molecular consequence: missense variant.
Genome position (GRCh38, 1-based): chr21:34,449,499, A>G on the plus strand (T>C on the coding strand, the complement: KCNE1 is on the minus strand). VCF-style: chr21-34449499-A-G. GRCh37 (hg19) VCF-style: chr21-35821797-A-G.
Other names: c.136T>C, p.Tyr46His (NM_001127668.4, NM_001127669.4, NM_001127670.4 and 4 more transcripts); short protein forms Y46H.
Identifiers: ClinVar variation 3374144 (VCV003374144.2).
Genomic context (GRCh38, chr21:34,449,499, plus strand): 5'-TGTAGCTCAGCATGATGCCCAGGGTGAAGAAGCCGAAGAATCCCAGTACCATGAGGACGT[A>G]GAGGGCCTCCAGCTTGCCGTCACTGCTGCGGGGGGACCTGCGGGCCAGGCCCGACATGTT-3'
Protein context (NP_000210.2, residues 36-56): RSSDGKLEAL[Tyr46His]VLMVLGFFGF

Conditions:
Long QT syndrome 5 (LQT5). Identifiers: Orphanet 101016, Orphanet 768, MedGen C1867904, MONDO:0013372, OMIM 613695.

Submission:

Roden Lab, Vanderbilt University Medical Center
No classification provided (evidence only). Condition: Long QT syndrome 5. Review status: no classification provided. Collection method: in vitro. Allele origin: not applicable. Functional consequence: Effect on ion channel function.
ClinVar note: "not provided" was previously submitted as the classification for the variant. However, the classification appeared to be based only on an observation of functional data so it was converted to no classification on 2025-07-30.